The following is an entry in ClinVar:

ClinVar aggregate classification (germline): Pathogenic (1 of 4 stars; one submission).

Submission:

Labcorp Genetics (formerly Invitae), Labcorp
Classification: Pathogenic. Last evaluated: 2024-01-08. Review status: criteria provided, single submitter. Criteria: Invitae Variant Classification Sherloc (09022015). Collection method: clinical testing. Allele origin: germline.
Comment: This sequence change creates a premature translational stop signal (p.Gln67Serfs*67) in the LOX gene. It is expected to result in an absent or disrupted protein product. Loss-of-function variants in LOX are known to be pathogenic (PMID: 12417550, 26838787, 27432961). This variant is not present in population databases (gnomAD no frequency). This variant has not been reported in the literature in individuals affected with LOX-related conditions. For these reasons, this variant has been classified as Pathogenic.

Literature cited by the submitters: PubMed 12417550; PubMed 26838787; PubMed 27432961.

NM_002317.7(LOX):c.198dup (p.Gln67fs)

Genes: SRFBP1 (serum response factor binding protein 1; plus strand), LOX (lysyl oxidase; minus strand). Cytogenetic location: 5q23.1.
Variant type: Duplication.
Coding change: c.198dup on transcript NM_002317.7 (MANE Select); coding-DNA position 198, one base duplicated (T; older notation c.198dupT).
Protein change: p.Gln67fs; shifts the reading frame from glutamine 67.
Molecular consequence: frameshift variant.
Genome position (GRCh38, 1-based): chr5:122,077,788, A duplicated on the plus strand (T on the coding strand, the reverse complement: LOX is on the minus strand). VCF-style (leftmost placement, unchanged base first): chr5-122077787-G-GA. GRCh37 (hg19) VCF-style: chr5-121413482-G-GA.
Other names: short protein forms Q67fs.
Identifiers: ClinVar variation 2706915 (VCV002706915.3), dbSNP rs2532917915, ClinGen allele CA2697546431.